The following is an entry in ClinVar:

ClinVar aggregate classification (germline): Pathogenic (1 of 4 stars; one submission).

Conditions:
Fraser syndrome 3. Identifiers: MedGen C4540040, MONDO:0054739, OMIM 617667.

Submission:

Myriad Genetics, Inc.
Classification: Pathogenic for Fraser syndrome 3. Last evaluated: 2025-05-28. Review status: criteria provided, single submitter. Criteria: Myriad Autosomal Dominant, Autosomal Recessive and X-Linked Classification Criteria (2023). Collection method: clinical testing. Allele origin: unknown.
Comment: NM_021150.3(GRIP1):c.82delA(S28Afs*12) is expected to be pathogenic in the context of Fraser syndrome, GRIP1-related. This variant is predicted to lead to an abnormal or absent protein product due to the creation of a premature termination codon in GRIP1, a gene where loss-of-function variants are known to be pathogenic. Please note: this variant was assessed in the context of healthy population screening.

NM_001366722.1(GRIP1):c.82del (p.Ser28fs)

Gene: GRIP1 (glutamate receptor interacting protein 1; minus strand). Cytogenetic location: 12q14.3.
Variant type: Deletion.
Coding change: c.82del on transcript NM_001366722.1 (MANE Select); coding-DNA position 82, one base deleted (A; older notation c.82delA).
Protein change: p.Ser28fs; shifts the reading frame from serine 28.
Molecular consequence: frameshift variant.
Genome position (GRCh38, 1-based): chr12:66,596,901, T deleted on the plus strand (A on the coding strand, the reverse complement: GRIP1 is on the minus strand). VCF-style (leftmost placement, unchanged base first): chr12-66596900-CT-C. GRCh37 (hg19) VCF-style: chr12-66990680-CT-C.
Other names: c.82del, p.Ser28fs (NM_001178074.2, NM_001379346.1, NM_021150.4); c.160del, p.Ser54fs (NM_001366723.1, NM_001366724.1, NM_001379345.1 and 2 more transcripts); c.85del, p.Ser29fs (NM_001379349.1, NM_001379351.1, NM_001439322.1 and 1 more transcripts); short protein forms S28fs, S29fs, S54fs.
Identifiers: ClinVar variation 5014528 (VCV005014528.1).